The following is an entry in ClinVar:

ClinVar aggregate classification (germline): Uncertain significance (1 of 4 stars; one submission).

Conditions:
Autosomal dominant nonsyndromic hearing loss 1. Also called: DEAFNESS, AUTOSOMAL DOMINANT 1, WITH OR WITHOUT THROMBOCYTOPENIA; KONIGSMARK SYNDROME. Identifiers: Orphanet 90635, MedGen C1852282, MONDO:0007424, OMIM 124900.
Progressive microcephaly-seizures-cortical blindness-developmental delay syndrome. Also called: Seizures, cortical blindness, and microcephaly syndrome. Identifiers: Orphanet 477814, MedGen C5567650, MONDO:0014714, OMIM 616632.

Submission:

Labcorp Genetics (formerly Invitae), Labcorp
Classification: Uncertain significance for Progressive microcephaly-seizures-cortical blindness-developmental delay syndrome; Autosomal dominant nonsyndromic hearing loss 1. Last evaluated: 2023-12-02. Review status: criteria provided, single submitter. Criteria: Invitae Variant Classification Sherloc (09022015). Collection method: clinical testing. Allele origin: germline.
Comment: This sequence change replaces glutamine, which is neutral and polar, with leucine, which is neutral and non-polar, at codon 949 of the DIAPH1 protein (p.Gln949Leu). This variant is not present in population databases (gnomAD no frequency). This variant has not been reported in the literature in individuals affected with DIAPH1-related conditions. An algorithm developed to predict the effect of missense changes on protein structure and function (PolyPhen-2) suggests that this variant is likely to be tolerated. In summary, the available evidence is currently insufficient to determine the role of this variant in disease. Therefore, it has been classified as a Variant of Uncertain Significance.

NM_005219.5(DIAPH1):c.2846A>T (p.Gln949Leu)

Gene: DIAPH1 (diaphanous related formin 1; minus strand). Cytogenetic location: 5q31.3.
Variant type: single nucleotide variant.
Coding change: c.2846A>T on transcript NM_005219.5 (MANE Select); coding-DNA position 2846, A replaced by T.
Protein change: p.Gln949Leu; replaces glutamine 949 with leucine.
Molecular consequence: missense variant.
Genome position (GRCh38, 1-based): chr5:141,528,874, T>A on the plus strand (A>T on the coding strand, the complement: DIAPH1 is on the minus strand). VCF-style: chr5-141528874-T-A. GRCh37 (hg19) VCF-style: chr5-140908441-T-A.
Other names: c.2819A>T, p.Gln940Leu (NM_001079812.3); c.2846A>T, p.Gln949Leu (NM_001314007.2); short protein forms Q940L, Q949L.
Identifiers: ClinVar variation 2954390 (VCV002954390.3), dbSNP rs775424355, ClinGen allele CA361585107.
Genomic context (GRCh38, chr5:141,528,874, plus strand): 5'-TTACGTAACTCCTCACATGCAGCAGTGACAGACACAATCTCTGGCTTGATATTCTCCACT[T>A]GCTCGCTGAATTGTAGCTTGAAGAGAATGGCATTGAGGCGAGGCCGCAGTCGGGGCACAG-3'
Protein context (NP_005210.3, residues 939-959): AILFKLQFSE[Gln949Leu]VENIKPEIVS